The following is an entry in ClinVar:

ClinVar aggregate classification (germline): Uncertain significance (1 of 4 stars; one submission).

Allele frequency attached by ClinVar (database versions not stated): ExAC 0.00001; gnomAD 0.00001.
gnomAD v4.1: 2 of 1,601,928 alleles (0.00012%); highest among the groups gnomAD compares: Non-Finnish European, 0.00017%; no homozygotes.

Submission:

Ambry Genetics
Classification: Uncertain significance. Last evaluated: 2025-01-14. Review status: criteria provided, single submitter. Criteria: Ambry Variant Classification Scheme 2023. Collection method: clinical testing. Allele origin: germline.
Comment: The p.Y57C variant (also known as c.170A>G), located in coding exon 2 of the FAM175A gene, results from an A to G substitution at nucleotide position 170. The tyrosine at codon 57 is replaced by cysteine, an amino acid with highly dissimilar properties. This amino acid position is conserved. In addition, this alteration is predicted to be tolerated by in silico analysis. Since supporting evidence is limited at this time, the clinical significance of this alteration remains unclear.

NM_139076.3(ABRAXAS1):c.170A>G (p.Tyr57Cys)

Gene: ABRAXAS1 (abraxas 1, BRCA1 A complex subunit; minus strand). Cytogenetic location: 4q21.23.
Variant type: single nucleotide variant.
Coding change: c.170A>G on transcript NM_139076.3 (MANE Select); coding-DNA position 170, A replaced by G.
Protein change: p.Tyr57Cys; replaces tyrosine 57 with cysteine.
Molecular consequence: missense variant. On other transcripts: 5 prime UTR variant (1).
Genome position (GRCh38, 1-based): chr4:83,482,162, T>C on the plus strand (A>G on the coding strand, the complement: ABRAXAS1 is on the minus strand). VCF-style: chr4-83482162-T-C. GRCh37 (hg19) VCF-style: chr4-84403315-T-C.
Other names: c.-91A>G (NM_001345962.2); short protein forms Y57C.
Identifiers: ClinVar variation 1799743 (VCV001799743.3), dbSNP rs770769937, ClinGen allele CA2990639.